The following is an entry in ClinVar:

ClinVar aggregate classification (germline): Uncertain significance (1 of 4 stars; one submission).

Allele frequency attached by ClinVar (database versions not stated): TOPMed below 0.00001.

Submission:

Labcorp Genetics (formerly Invitae), Labcorp
Classification: Uncertain significance. Last evaluated: 2021-08-04. Review status: criteria provided, single submitter. Criteria: Invitae Variant Classification Sherloc (09022015). Collection method: clinical testing. Allele origin: germline.
Comment: This sequence change replaces lysine with asparagine at codon 106 of the ZCCHC8 protein (p.Lys106Asn). The lysine residue is highly conserved and there is a moderate physicochemical difference between lysine and asparagine. This variant is not present in population databases (ExAC no frequency). Algorithms developed to predict the effect of sequence changes on RNA splicing suggest that this variant may disrupt the consensus splice site, but this prediction has not been confirmed by published transcriptional studies. Algorithms developed to predict the effect of missense changes on protein structure and function are either unavailable or do not agree on the potential impact of this missense change (SIFT: "Tolerated"; PolyPhen-2: "Not Available"; Align-GVGD: "Class C0"). This variant has not been reported in the literature in individuals with ZCCHC8-related conditions. In summary, the available evidence is currently insufficient to determine the role of this variant in disease. Therefore, it has been classified as a Variant of Uncertain Significance.

NM_017612.5(ZCCHC8):c.318G>T (p.Lys106Asn)

Gene: ZCCHC8 (zinc finger CCHC-type containing 8; minus strand). Cytogenetic location: 12q24.31.
Variant type: single nucleotide variant.
Coding change: c.318G>T on transcript NM_017612.5 (MANE Select); coding-DNA position 318, G replaced by T.
Protein change: p.Lys106Asn; replaces lysine 106 with asparagine.
Molecular consequence: missense variant. On other transcripts: 5 prime UTR variant (1), intron variant (1).
Genome position (GRCh38, 1-based): chr12:122,490,567, C>A on the plus strand (G>T on the coding strand, the complement: ZCCHC8 is on the minus strand). VCF-style: chr12-122490567-C-A. GRCh37 (hg19) VCF-style: chr12-122975114-C-A.
Other names: c.318G>T, p.Lys106Asn (NM_001350935.2); c.21G>T, p.Lys7Asn (NM_001350936.2); c.-227G>T (NM_001350937.2); c.-121-1104G>T (NM_001350938.2); short protein forms K7N, K106N.
Identifiers: ClinVar variation 1374499 (VCV001374499.8), dbSNP rs1593328210, ClinGen allele CA482209407.